The following is an entry in ClinVar:

NM_002972.4(SBF1):c.5596C>T (p.Arg1866Cys)

Gene: SBF1 (SET binding factor 1; minus strand). Cytogenetic location: 22q13.33.
Variant type: single nucleotide variant.
Coding change: c.5596C>T on transcript NM_002972.4 (MANE Select); coding-DNA position 5596, C replaced by T.
Protein change: p.Arg1866Cys; replaces arginine 1866 with cysteine.
Molecular consequence: missense variant.
Genome position (GRCh38, 1-based): chr22:50,447,228, G>A on the plus strand (C>T on the coding strand, the complement: SBF1 is on the minus strand). VCF-style: chr22-50447228-G-A. GRCh37 (hg19) VCF-style: chr22-50885657-G-A.
Other names: c.5521C>T, p.Arg1841Cys (NM_001365819.1); c.5599C>T, p.Arg1867Cys (NM_001410794.1); c.5518C>T, p.Arg1840Cys (NM_001410795.1); c.5596C>T, p.Arg1866Cys (NM_197971.1); c.5596C>T (NM_002972.2); short protein forms R1841C, R1866C, R1840C, R1867C.
Identifiers: ClinVar variation 2167480 (VCV002167480.2), dbSNP rs747747731, ClinGen allele CA10315753.

ClinVar aggregate classification (germline): Uncertain significance. Review status: criteria provided, multiple submitters, no conflicts (2 of 4 stars). 2 submissions from 2 submitters: Uncertain significance (2). Last evaluated 2024-04-09.

Allele frequency attached by ClinVar (database versions not stated): gnomAD 0.00001; gnomAD exomes 0.00003; TOPMed 0.00003.
gnomAD v4.1: 45 of 1,613,830 alleles (0.0028%); highest among the groups gnomAD compares: South Asian, 0.0066%; no homozygotes.

Submissions (2):

Ambry Genetics
Classification: Uncertain significance. Last evaluated: 2024-04-09. Review status: criteria provided, single submitter. Criteria: Ambry Variant Classification Scheme 2023. Collection method: clinical testing. Allele origin: germline.

Labcorp Genetics (formerly Invitae), Labcorp
Classification: Uncertain significance. Last evaluated: 2021-12-29. Review status: criteria provided, single submitter. Criteria: Invitae Variant Classification Sherloc (09022015). Collection method: clinical testing. Allele origin: germline.
Comment: This sequence change replaces arginine, which is basic and polar, with cysteine, which is neutral and slightly polar, at codon 1866 of the SBF1 protein (p.Arg1866Cys). This variant is present in population databases (rs747747731, gnomAD 0.004%). This variant has not been reported in the literature in individuals affected with SBF1-related conditions. Algorithms developed to predict the effect of missense changes on protein structure and function are either unavailable or do not agree on the potential impact of this missense change (SIFT: "Deleterious"; PolyPhen-2: "Probably Damaging"; Align-GVGD: "Class C0"). In summary, the available evidence is currently insufficient to determine the role of this variant in disease. Therefore, it has been classified as a Variant of Uncertain Significance.